The following is an entry in ClinVar:

ClinVar aggregate classification (germline): Pathogenic/Likely pathogenic. Review status: criteria provided, multiple submitters, no conflicts (2 of 4 stars). 3 submissions from 3 submitters: Pathogenic (1); Likely pathogenic (2). Last evaluated 2025-11-17.

Conditions:
Dilated cardiomyopathy 1G (CMD1G). Identifiers: Orphanet 154, MedGen C1858763, MONDO:0011400, OMIM 604145.
Autosomal recessive limb-girdle muscular dystrophy type 2J (LGMDR10). Also called: Limb-girdle muscular dystrophy, type 2J; MUSCULAR DYSTROPHY, LIMB-GIRDLE, AUTOSOMAL RECESSIVE 10. Identifiers: Orphanet 140922, MedGen C1837342, MONDO:0012127, OMIM 608807.
Cardiovascular phenotype. Identifiers: MedGen CN230736.

Submissions (3):

Ambry Genetics
Classification: Pathogenic for Cardiovascular phenotype. Last evaluated: 2025-11-17. Review status: criteria provided, single submitter. Criteria: Ambry Variant Classification Scheme 2023. Collection method: clinical testing. Allele origin: germline.
Comment: The c.43829_43832delAACA pathogenic mutation, located in coding exon 153 of the TTN gene, results from a deletion of 4 nucleotides at nucleotide positions 43829 to 43832, causing a translational frameshift with a predicted alternate stop codon (p.K14610Rfs*16). This exon is located in the A-band region of the N2-B isoform of the titin protein and is constitutively expressed in TTN transcripts (percent spliced in or PSI 100%). This variant was reported in individual(s) with features consistent with dilated cardiomyopathy (Zhang XL et al. Sci Rep, 2020 02;10:2226; Ambry internal data). Note, this variant is also referred to as c.71024_71027del, p.K23675fs in the literature. This variant is also considered to be rare based on population cohorts in the Genome Aggregation Database (gnomAD). This variant is expected to result in loss of function by premature protein truncation or nonsense-mediated mRNA decay. While truncating variants in TTN are present in 1-3% of the general population, truncating variants in the A-band are the most common cause of dilated cardiomyopathy (Herman DS et al. N. Engl. J. Med., 2012 Feb;366:619-28; Roberts AM et al. Sci Transl Med, 2015 Jan;7:270ra6). TTN truncating variants encoded in constitutive exons (PSI >90%) have been found to be significantly associated with DCM regardless of their position in titin (Schafer S et al. Nat. Genet., 2017 01;49:46-53; Akhtar MM et al. Circ Heart Fail, 2020 Oct;13:e006832; Massier M et al. Clin Genet, 2025 Jan). Based on the supporting evidence, this variant is interpreted as a disease-causing mutation.

Labcorp Genetics (formerly Invitae), Labcorp
Classification: Likely pathogenic for Dilated cardiomyopathy 1G; Autosomal recessive limb-girdle muscular dystrophy type 2J. Last evaluated: 2025-07-03. Review status: criteria provided, single submitter. Criteria: Invitae Variant Classification Sherloc (09022015). Collection method: clinical testing. Allele origin: germline.
Comment: This sequence change creates a premature translational stop signal (p.Lys23675Argfs*16) in the TTN gene. While this is not anticipated to result in nonsense mediated decay, it is expected to create a truncated TTN protein. This variant is not present in population databases (gnomAD no frequency). This premature translational stop signal has been observed in individual(s) with dilated cardiomyopathy (PMID: 31983221, 32041989, 32880476; internal data). This variant is also known as p.23675_23676del. ClinVar contains an entry for this variant (Variation ID: 957462). This variant is located in the A band of TTN (PMID: 25589632). Truncating variants in this region are significantly overrepresented in patients affected with dilated cardiomyopathy (PMID: 25589632). Truncating variants in this region have also been reported in individuals affected with autosomal recessive centronuclear myopathy (PMID: 23975875). In summary, the currently available evidence indicates that the variant is pathogenic, but additional data are needed to prove that conclusively. Therefore, this variant has been classified as Likely Pathogenic.

AiLife Diagnostics
Classification: Likely pathogenic. Last evaluated: 2021-11-05. Review status: criteria provided, single submitter. Criteria: ACMG Guidelines, 2015. Collection method: clinical testing. Allele origin: germline. Affected: yes. Observed: 1 variant allele.

Literature cited by the submitters: PubMed 32041989 (cited by 3 submitters); PubMed 31983221 (cited by Labcorp Genetics (formerly Invitae), Labcorp and AiLife Diagnostics); PubMed 32880476 (cited by Labcorp Genetics (formerly Invitae), Labcorp and AiLife Diagnostics); PubMed 25589632 (cited by Labcorp Genetics (formerly Invitae), Labcorp); PubMed 23975875 (cited by Labcorp Genetics (formerly Invitae), Labcorp).

NM_001267550.2(TTN):c.71024_71027del (p.Lys23675fs)

Genes: TTN-AS1 (TTN antisense RNA 1; plus strand), TTN (titin; minus strand). Cytogenetic location: 2q31.2.
Variant type: Deletion.
Coding change: c.71024_71027del on transcript NM_001267550.2 (MANE Select); coding-DNA positions 71024 to 71027, 4 bases deleted (AACA; older notation c.71024_71027delAACA).
Protein change: p.Lys23675fs; shifts the reading frame from lysine 23675.
Molecular consequence: frameshift variant.
Genome position (GRCh38, 1-based): chr2:178,575,105-178,575,108, TGTT deleted on the plus strand (AACA on the coding strand, the reverse complement: TTN is on the minus strand); deleting any 4 consecutive bases within chr2:178,575,105-178,575,109 gives the same sequence; the c. name uses the placement nearest the transcript's 3' end. VCF-style (leftmost placement, unchanged base first): chr2-178575104-CTGTT-C. GRCh37 (hg19) VCF-style: chr2-179439831-CTGTT-C.
Other names: c.66101_66104del, p.Lys22034fs (NM_001256850.1); c.43829_43832del, p.Lys14610fs (NM_003319.4); c.63320_63323del, p.Lys21107fs (NM_133378.4); c.44204_44207del, p.Lys14735fs (NM_133432.3); c.44405_44408del, p.Lys14802fs (NM_133437.4); c.43829_43832delAACA (NM_003319.4); short protein forms K14735fs, K14802fs, K14610fs, K22034fs, K23675fs, K21107fs.
Identifiers: ClinVar variation 957462 (VCV000957462.14), dbSNP rs1709577304, ClinGen allele CA430257988.
Genomic context (GRCh38, chr2:178,575,104, plus strand): 5'-ACACTCATTGATATTTAAAATGGTTGAAGTCGCTGTGGTTTCAAAATTAACTCTCTGTGT[CTGTT>C]TAAGAATTTGGTCTCCTTTTTTCCATGTCACTGTGGGCTTCGGTCGACCGAGCACTGGAA-3'